The following is an entry in ClinVar:

ClinVar aggregate classification (germline): Uncertain significance (1 of 4 stars; one submission).

Conditions:
Hereditary cancer-predisposing syndrome. Also called: Neoplastic Syndromes, Hereditary; Tumor predisposition; Hereditary Cancer Syndrome; Hereditary neoplastic syndrome. Identifiers: Orphanet 140162, MedGen C0027672, MeSH D009386, MONDO:0015356.

Submission:

Ambry Genetics
Classification: Uncertain significance for Hereditary cancer-predisposing syndrome. Last evaluated: 2026-08-13. Review status: criteria provided, single submitter. Criteria: Ambry Variant Classification Scheme 2023. Collection method: clinical testing. Allele origin: germline.
Comment: The p.L442W variant (also known as c.1325T>G), located in coding exon 10 of the CDH1 gene, results from a T to G substitution at nucleotide position 1325. The leucine at codon 442 is replaced by tryptophan, an amino acid with similar properties. This amino acid position is highly conserved in available vertebrate species. In addition, this alteration is predicted to be deleterious by in silico analysis. Based on the available evidence, the clinical significance of this variant remains unclear.

NM_004360.5(CDH1):c.1325T>G (p.Leu442Trp)

Gene: CDH1 (cadherin 1; plus strand). Cytogenetic location: 16q22.1.
Variant type: single nucleotide variant.
Coding change: c.1325T>G on transcript NM_004360.5 (MANE Select); coding-DNA position 1325, T replaced by G.
Protein change: p.Leu442Trp; replaces leucine 442 with tryptophan.
Molecular consequence: missense variant. On other transcripts: 5 prime UTR variant (2).
Genome position (GRCh38, 1-based): chr16:68,815,519, T>G. VCF-style: chr16-68815519-T-G. GRCh37 (hg19) VCF-style: chr16-68849422-T-G.
Other names: c.1142T>G, p.Leu381Trp (NM_001317184.2); c.-224T>G (NM_001317185.2); c.-495T>G (NM_001317186.2); short protein forms L442W, L381W.
Identifiers: ClinVar variation 4843745 (VCV004843745.2).
Genomic context (GRCh38, chr16:68,815,519, plus strand): 5'-TTTACTAACACAAAATGTTTCGTTTTGTTTTTAACTTCATTGTTTCTGCTCTCTAGGGCT[T>G]GGATTTTGAGGCCAAGCAGCAGTACATTCTACACGTAGCAGTGACGAATGTGGTACCTTT-3'
Protein context (NP_004351.1, residues 432-452): NDGILKTAKG[Leu442Trp]DFEAKQQYIL